The following is an entry in ClinVar:

NM_031885.5(BBS2):c.721A>T (p.Lys241Ter)

Gene: BBS2 (Bardet-Biedl syndrome 2; minus strand). Cytogenetic location: 16q13.
Variant type: single nucleotide variant.
Coding change: c.721A>T on transcript NM_031885.5 (MANE Select); coding-DNA position 721, A replaced by T.
Protein change: p.Lys241Ter; replaces lysine 241 with a stop codon.
Molecular consequence: nonsense. On other transcripts: non-coding transcript variant (5).
Genome position (GRCh38, 1-based): chr16:56,506,033, T>A on the plus strand (A>T on the coding strand, the complement: BBS2 is on the minus strand). VCF-style: chr16-56506033-T-A. GRCh37 (hg19) VCF-style: chr16-56539945-T-A.
Other names: c.721A>T, p.Lys241Ter (NM_001377456.1); short protein forms K241*.
Identifiers: ClinVar variation 984004 (VCV000984004.3), dbSNP rs1964413369, ClinGen allele CA395982853.
Genomic context (GRCh38, chr16:56,506,033, plus strand): 5'-TCAGTTCATTCACTCCATCAGAATTAAGGTCAAAAGCATGAATGCTCATGGCATGATTTT[T>A]CGACTGAAAAAGAATTTTAATAATTAGCACAGAAGTCTCACAATAACTATCAAGCGCCTG-3'

ClinVar aggregate classification (germline): Likely pathogenic (1 of 4 stars; one submission).

Conditions:
Bardet-Biedl syndrome 2 (BBS2). Identifiers: Orphanet 110, MedGen C2936863, MONDO:0014432, OMIM 615981.

Submission:

Myriad Genetics, Inc.
Classification: Likely pathogenic for Bardet-Biedl syndrome 2. Last evaluated: 2019-03-31. Review status: criteria provided, single submitter. Criteria: Myriad Women's Health Autosomal Recessive and X-Linked Classification Criteria (2019). Collection method: clinical testing. Allele origin: unknown.
Comment: NM_031885.3(BBS2):c.721A>T(K241*) is expected to be pathogenic in the context of Bardet-Biedl syndrome, BBS2-related. This variant is predicted to lead to an abnormal or absent protein product due to the creation of a premature termination codon in BBS2, a gene where loss-of-function variants are known to be pathogenic. Please note: this variant was assessed in the context of healthy population screening.